The following is an entry in ClinVar:

NM_022051.3(EGLN1):c.116C>T (p.Ser39Phe)

Gene: EGLN1 (egl-9 family hypoxia inducible factor 1; minus strand). Cytogenetic location: 1q42.2.
Variant type: single nucleotide variant.
Coding change: c.116C>T on transcript NM_022051.3 (MANE Select); coding-DNA position 116, C replaced by T.
Protein change: p.Ser39Phe; replaces serine 39 with phenylalanine.
Molecular consequence: missense variant.
Genome position (GRCh38, 1-based): chr1:231,421,773, G>A on the plus strand (C>T on the coding strand, the complement: EGLN1 is on the minus strand). VCF-style: chr1-231421773-G-A. GRCh37 (hg19) VCF-style: chr1-231557519-G-A.
Other names: c.116C>T, p.Ser39Phe (NM_001377260.1, NM_001377261.1); c.116C>T (NM_022051.2); short protein forms S39F.
Identifiers: ClinVar variation 2789975 (VCV002789975.4), dbSNP rs1656627647, ClinGen allele CA345239002.

ClinVar aggregate classification (germline): Uncertain significance. Review status: criteria provided, multiple submitters, no conflicts (2 of 4 stars). 2 submissions from 2 submitters: Uncertain significance (2). Last evaluated 2024-07-28.

Conditions:
Erythrocytosis, familial, 3 (ECYT3). Identifiers: Orphanet 247511, MedGen C1853286, MONDO:0012353, OMIM 609820.

gnomAD v4.1: 1 of 1,557,614 alleles (0.000064%); highest among the groups gnomAD compares: South Asian, 0.0012%; no homozygotes.

Submissions (2):

Ambry Genetics
Classification: Uncertain significance. Last evaluated: 2024-07-28. Review status: criteria provided, single submitter. Criteria: Ambry Variant Classification Scheme 2023. Collection method: clinical testing. Allele origin: germline.
Comment: The p.S39F variant (also known as c.116C>T), located in coding exon 1 of the EGLN1 gene, results from a C to T substitution at nucleotide position 116. The serine at codon 39 is replaced by phenylalanine, an amino acid with highly dissimilar properties. This amino acid position is conserved. In addition, the in silico prediction for this alteration is inconclusive. Based on the available evidence, the clinical significance of this variant remains unclear.

Labcorp Genetics (formerly Invitae), Labcorp
Classification: Uncertain significance for Erythrocytosis, familial, 3. Last evaluated: 2023-08-18. Review status: criteria provided, single submitter. Criteria: Invitae Variant Classification Sherloc (09022015). Collection method: clinical testing. Allele origin: germline.
Comment: An algorithm developed to predict the effect of missense changes on protein structure and function (PolyPhen-2) suggests that this variant is likely to be disruptive. In summary, the available evidence is currently insufficient to determine the role of this variant in disease. Therefore, it has been classified as a Variant of Uncertain Significance. This variant has not been reported in the literature in individuals affected with EGLN1-related conditions. This sequence change replaces serine, which is neutral and polar, with phenylalanine, which is neutral and non-polar, at codon 39 of the EGLN1 protein (p.Ser39Phe). This variant is not present in population databases (gnomAD no frequency).